The following is an entry in ClinVar:

NM_006766.5(KAT6A):c.600+3A>G

Gene: KAT6A (lysine acetyltransferase 6A; minus strand). Cytogenetic location: 8p11.21.
Variant type: single nucleotide variant.
Coding change: c.600+3A>G on transcript NM_006766.5 (MANE Select); 3 bases into the intron after coding-DNA position 600, A replaced by G.
Molecular consequence: intron variant.
Genome position (GRCh38, 1-based): chr8:42,048,375, T>C on the plus strand (A>G on the coding strand, the complement: KAT6A is on the minus strand). VCF-style: chr8-42048375-T-C. GRCh37 (hg19) VCF-style: chr8-41905893-T-C.
Other names: c.600+3A>G (NM_001305878.2).
Identifiers: ClinVar variation 1921601 (VCV001921601.5), dbSNP rs1306945873, ClinGen allele CA851896173.
Genomic context (GRCh38, chr8:42,048,375, plus strand): 5'-ATGTGAATTTGTAGCATCCTATATCATCAGCTCTATAAACCCCGAAGCATATGCCATTCT[T>C]ACCTTATCCTTTTCATGTGGAAGAAGGGACACTGGAGGTAAACAGGAAAGAGACTCACAA-3'

ClinVar aggregate classification (germline): Uncertain significance (1 of 4 stars; one submission).

Allele frequency attached by ClinVar (database versions not stated): gnomAD exomes below 0.00001.
gnomAD v4.1: 1 of 1,613,078 alleles (0.000062%); highest among the groups gnomAD compares: Non-Finnish European, 0.000085%; no homozygotes.

Submission:

Labcorp Genetics (formerly Invitae), Labcorp
Classification: Uncertain significance. Last evaluated: 2025-03-17. Review status: criteria provided, single submitter. Criteria: Invitae Variant Classification Sherloc (09022015). Collection method: clinical testing. Allele origin: germline.
Comment: This sequence change falls in intron 2 of the KAT6A gene. It does not directly change the encoded amino acid sequence of the KAT6A protein. It affects a nucleotide within the consensus splice site. This variant is not present in population databases (gnomAD no frequency). This variant has not been reported in the literature in individuals affected with KAT6A-related conditions. ClinVar contains an entry for this variant (Variation ID: 1921601). Variants that disrupt the consensus splice site are a relatively common cause of aberrant splicing (PMID: 17576681, 9536098). Algorithms developed to predict the effect of sequence changes on RNA splicing suggest that this variant is not likely to affect RNA splicing. In summary, the available evidence is currently insufficient to determine the role of this variant in disease. Therefore, it has been classified as a Variant of Uncertain Significance.

Literature cited by the submitters: PubMed 17576681; PubMed 9536098.